The following is an entry in ClinVar:

NM_015466.4(PTPN23):c.4337A>G (p.Tyr1446Cys)

Gene: PTPN23 (protein tyrosine phosphatase non-receptor type 23; plus strand). Cytogenetic location: 3p21.31.
Variant type: single nucleotide variant.
Coding change: c.4337A>G on transcript NM_015466.4 (MANE Select); coding-DNA position 4337, A replaced by G.
Protein change: p.Tyr1446Cys; replaces tyrosine 1446 with cysteine.
Molecular consequence: missense variant.
Genome position (GRCh38, 1-based): chr3:47,412,533, A>G. VCF-style: chr3-47412533-A-G. GRCh37 (hg19) VCF-style: chr3-47454023-A-G.
Other names: c.3959A>G, p.Tyr1320Cys (NM_001304482.2); short protein forms Y1320C, Y1446C.
Identifiers: ClinVar variation 1436381 (VCV001436381.4), dbSNP rs142711184, ClinGen allele CA2366571.

ClinVar aggregate classification (germline): Uncertain significance. Review status: criteria provided, multiple submitters, no conflicts (2 of 4 stars). 2 submissions from 2 submitters: Uncertain significance (2). Last evaluated 2023-08-14.

Allele frequency attached by ClinVar (database versions not stated): ExAC 0.00008; gnomAD exomes 0.00012 and 0.00034; gnomAD 0.00015 and 0.00017; TOPMed 0.00015; ESP Exome Variant Server 0.00031.
gnomAD v4.1: 521 of 1,613,384 alleles (0.032%); highest among the groups gnomAD compares: Non-Finnish European, 0.042%; no homozygotes.

Submissions (2):

Blueprint Genetics
Classification: Uncertain significance. Last evaluated: 2023-08-14. Review status: criteria provided, single submitter. Criteria: ACMG Guidelines, 2015. Collection method: clinical testing. Allele origin: germline.

Labcorp Genetics (formerly Invitae), Labcorp
Classification: Uncertain significance. Last evaluated: 2022-10-25. Review status: criteria provided, single submitter. Criteria: Invitae Variant Classification Sherloc (09022015). Collection method: clinical testing. Allele origin: germline.
Comment: This sequence change replaces tyrosine, which is neutral and polar, with cysteine, which is neutral and slightly polar, at codon 1446 of the PTPN23 protein (p.Tyr1446Cys). This variant is present in population databases (rs142711184, gnomAD 0.03%). This variant has not been reported in the literature in individuals affected with PTPN23-related conditions. ClinVar contains an entry for this variant (Variation ID: 1436381). Algorithms developed to predict the effect of missense changes on protein structure and function are either unavailable or do not agree on the potential impact of this missense change (SIFT: "Tolerated"; PolyPhen-2: "Probably Damaging"; Align-GVGD: "Class C0"). In summary, the available evidence is currently insufficient to determine the role of this variant in disease. Therefore, it has been classified as a Variant of Uncertain Significance.